The following is an entry in ClinVar:

ClinVar aggregate classification (germline): Pathogenic. Review status: criteria provided, multiple submitters, no conflicts (2 of 4 stars). 2 submissions from 2 submitters: Pathogenic (2). Last evaluated 2024-09-17.

Conditions:
Autosomal recessive nonsyndromic hearing loss 77. Identifiers: Orphanet 90636, MedGen C2746083, MONDO:0013119, OMIM 613079.

Allele frequency attached by ClinVar (database versions not stated): gnomAD exomes below 0.00001.
gnomAD v4.1: 2 of 1,550,290 alleles (0.00013%); highest among the groups gnomAD compares: Non-Finnish European, 0.000087%; no homozygotes.

Submissions (2):

Myriad Genetics, Inc.
Classification: Pathogenic for Autosomal recessive nonsyndromic hearing loss 77. Last evaluated: 2024-09-17. Review status: criteria provided, single submitter. Criteria: Myriad Autosomal Dominant, Autosomal Recessive and X-Linked Classification Criteria (2023). Collection method: clinical testing. Allele origin: unknown.
Comment: NM_144612.6(LOXHD1):c.3505G>T(E1169*) is expected to be pathogenic in the context of nonsyndromic hearing loss, LOXHD1-related. This variant is predicted to lead to an abnormal or absent protein product due to the creation of a premature termination codon in LOXHD1, a gene where loss-of-function variants are known to be pathogenic. Please note: this variant was assessed in the context of healthy population screening.

Labcorp Genetics (formerly Invitae), Labcorp
Classification: Pathogenic. Last evaluated: 2021-09-25. Review status: criteria provided, single submitter. Criteria: Invitae Variant Classification Sherloc (09022015). Collection method: clinical testing. Allele origin: germline.
Comment: For these reasons, this variant has been classified as Pathogenic. This variant has not been reported in the literature in individuals affected with LOXHD1-related conditions. This variant is not present in population databases (ExAC no frequency). This sequence change creates a premature translational stop signal (p.Glu1169*) in the LOXHD1 gene. It is expected to result in an absent or disrupted protein product. Loss-of-function variants in LOXHD1 are known to be pathogenic (PMID: 19732867, 21465660, 25792669).

Literature cited by the submitters: PubMed 19732867 (cited by Labcorp Genetics (formerly Invitae), Labcorp); PubMed 21465660 (cited by Labcorp Genetics (formerly Invitae), Labcorp); PubMed 25792669 (cited by Labcorp Genetics (formerly Invitae), Labcorp).

NM_001384474.1(LOXHD1):c.3505G>T (p.Glu1169Ter)

Gene: LOXHD1 (lipoxygenase homology PLAT domains 1; minus strand). Cytogenetic location: 18q21.1.
Variant type: single nucleotide variant.
Coding change: c.3505G>T on transcript NM_001384474.1 (MANE Select); coding-DNA position 3505, G replaced by T.
Protein change: p.Glu1169Ter; replaces glutamic acid 1169 with a stop codon.
Molecular consequence: nonsense. On other transcripts: 5 prime UTR variant (1).
Genome position (GRCh38, 1-based): chr18:46,546,904, C>A on the plus strand (G>T on the coding strand, the complement: LOXHD1 is on the minus strand). VCF-style: chr18-46546904-C-A. GRCh37 (hg19) VCF-style: chr18-44126867-C-A.
Other names: c.172G>T, p.Glu58Ter (NM_001145472.3); c.-117G>T (NM_001308013.2); c.3505G>T, p.Glu1169Ter (NM_144612.7); short protein forms E58*, E1169*.
Identifiers: ClinVar variation 1453114 (VCV001453114.7), dbSNP rs2143821653, ClinGen allele CA402366920.